The following is an entry in ClinVar:

ClinVar aggregate classification (germline): Pathogenic (1 of 4 stars; one submission).

Submission:

GeneDx
Classification: Pathogenic. Last evaluated: 2016-03-09. Review status: criteria provided, single submitter. Criteria: GeneDx Variant Classification (06012015). Collection method: clinical testing. Allele origin: germline. Affected: yes.
Comment: The c.4152delC pathogenic variant in the ARID1B gene has not been reported previously as a pathogenic variant nor as a benign variant, to our knowledge. The c.4152delC variant causes a frameshift starting with codon Lysine 1385, changes this amino acid to a Serine residue, and creates a premature Stop codon at position 63 of the new reading frame, denoted p.Lys1385SerfsX63. This variant is predicted to cause loss of normal protein function either through protein truncation or nonsense-mediated mRNA decay. The c.4152delC variant was not observed in approximately 6,500 individuals of European and African American ancestry in the NHLBI Exome Sequencing Project, indicating it is not a common benign variant in these populations. We interpret c.4152delC as a pathogenic variant.

NM_001374828.1(ARID1B):c.4521del (p.Lys1508fs)

Gene: ARID1B (AT-rich interaction domain 1B; plus strand). Cytogenetic location: 6q25.3.
Variant type: Deletion.
Coding change: c.4521del on transcript NM_001374828.1 (MANE Select); coding-DNA position 4521, one base deleted (C; older notation c.4521delC).
Protein change: p.Lys1508fs; shifts the reading frame from lysine 1508.
Molecular consequence: frameshift variant.
Genome position (GRCh38, 1-based): chr6:157,200,746, C deleted; the last of 2 consecutive C bases (chr6:157,200,745-157,200,746); deleting either gives the same sequence. VCF-style (leftmost placement, unchanged base first): chr6-157200744-GC-G. GRCh37 (hg19) VCF-style: chr6-157521878-GC-G.
Other names: c.4152delC (NM_020732.3); c.2022del, p.Lys675fs (NM_001363725.2); c.4401del, p.Lys1468fs (NM_001371656.1, NM_001374820.1); c.4362del, p.Lys1455fs (NM_017519.3); short protein forms K675fs, K1455fs, K1468fs, K1508fs.
Identifiers: ClinVar variation 280421 (VCV000280421.2), dbSNP rs886041632, ClinGen allele CA10603002.